The following is an entry in ClinVar:

NM_001267550.2(TTN):c.86640C>A (p.Tyr28880Ter)

Genes: TTN-AS1 (TTN antisense RNA 1; plus strand), TTN (titin; minus strand). Cytogenetic location: 2q31.2.
Variant type: single nucleotide variant.
Coding change: c.86640C>A on transcript NM_001267550.2 (MANE Select); coding-DNA position 86640, C replaced by A.
Protein change: p.Tyr28880Ter; replaces tyrosine 28880 with a stop codon.
Molecular consequence: nonsense.
Genome position (GRCh38, 1-based): chr2:178,559,492, G>T on the plus strand (C>A on the coding strand, the complement: TTN is on the minus strand). VCF-style: chr2-178559492-G-T. GRCh37 (hg19) VCF-style: chr2-179424219-G-T.
Other names: c.81717C>A, p.Tyr27239Ter (NM_001256850.1); c.59445C>A, p.Tyr19815Ter (NM_003319.4); c.78936C>A, p.Tyr26312Ter (NM_133378.4); c.59820C>A, p.Tyr19940Ter (NM_133432.3); c.60021C>A, p.Tyr20007Ter (NM_133437.4); short protein forms Y19815*, Y19940*, Y20007*, Y26312*, Y27239*, Y28880*.
Identifiers: ClinVar variation 1284530 (VCV001284530.10), dbSNP rs794729298, ClinGen allele CA349542483.

ClinVar aggregate classification (germline): Likely pathogenic. Review status: criteria provided, single submitter (1 of 4 stars). 4 submissions from 4 submitters: Likely pathogenic (1). 3 of the submissions do not count toward it. Last evaluated 2021-10-19.

Conditions:
Dilated cardiomyopathy 1G (CMD1G). Identifiers: Orphanet 154, MedGen C1858763, MONDO:0011400, OMIM 604145.
Autosomal recessive limb-girdle muscular dystrophy type 2J (LGMDR10). Also called: MUSCULAR DYSTROPHY, LIMB-GIRDLE, AUTOSOMAL RECESSIVE 10; Limb-girdle muscular dystrophy, type 2J. Identifiers: Orphanet 140922, MedGen C1837342, MONDO:0012127, OMIM 608807.

Submissions (4):

Labcorp Genetics (formerly Invitae), Labcorp
Classification: Likely pathogenic for Dilated cardiomyopathy 1G; Autosomal recessive limb-girdle muscular dystrophy type 2J. Last evaluated: 2021-10-19. Review status: criteria provided, single submitter. Criteria: Invitae Variant Classification Sherloc (09022015). Collection method: clinical testing. Allele origin: germline.
Comment: This sequence change creates a premature translational stop signal (p.Tyr28880*) in the TTN gene. While this is not anticipated to result in nonsense mediated decay, it is expected to create a truncated TTN protein. This variant is not present in population databases (ExAC no frequency). This premature translational stop signal has been observed in individual(s) with clinical features of TTN-related conditions (PMID: 30847666, 31737537). This variant is also known as c.78936C>A, p.Tyr26312*. This variant is located in the A band of TTN (PMID: 25589632). Truncating variants in this region are significantly overrepresented in patients affected with dilated cardiomyopathy (PMID: 25589632). Truncating variants in this region have also been reported in individuals affected with autosomal recessive centronuclear myopathy (PMID: 23975875). In summary, the currently available evidence indicates that the variant is pathogenic, but additional data are needed to prove that conclusively. Therefore, this variant has been classified as Likely Pathogenic.

Clinical Genetics, Academic Medical Center
Classification: Pathogenic. Review status: no assertion criteria provided. Collection method: clinical testing. Allele origin: germline. Affected: yes. Study: VKGL Data-share Consensus. Not counted in ClinVar's aggregate classification.

Genome Diagnostics Laboratory, University Medical Center Utrecht
Classification: Pathogenic. Review status: no assertion criteria provided. Collection method: clinical testing. Allele origin: germline. Affected: yes. Study: VKGL Data-share Consensus. Not counted in ClinVar's aggregate classification.

Joint Genome Diagnostic Labs from Nijmegen and Maastricht, Radboudumc and MUMC+
Classification: Likely pathogenic. Review status: no assertion criteria provided. Collection method: clinical testing. Allele origin: germline. Affected: yes. Study: VKGL Data-share Consensus. Not counted in ClinVar's aggregate classification.

Literature cited by the submitters: PubMed 30847666 (cited by Labcorp Genetics (formerly Invitae), Labcorp); PubMed 31737537 (cited by Labcorp Genetics (formerly Invitae), Labcorp); PubMed 25589632 (cited by Labcorp Genetics (formerly Invitae), Labcorp); PubMed 23975875 (cited by Labcorp Genetics (formerly Invitae), Labcorp).